The following is an entry in ClinVar:

NM_004984.4(KIF5A):c.1921C>T (p.Arg641Cys)

Gene: KIF5A (kinesin family member 5A; plus strand). Cytogenetic location: 12q13.3.
Variant type: single nucleotide variant.
Coding change: c.1921C>T on transcript NM_004984.4 (MANE Select); coding-DNA position 1921, C replaced by T.
Protein change: p.Arg641Cys; replaces arginine 641 with cysteine.
Molecular consequence: missense variant.
Genome position (GRCh38, 1-based): chr12:57,575,655, C>T. VCF-style: chr12-57575655-C-T. GRCh37 (hg19) VCF-style: chr12-57969438-C-T.
Other names: c.1654C>T, p.Arg552Cys (NM_001354705.2); c.1921C>T (NM_004984.2); short protein forms R552C, R641C.
Identifiers: ClinVar variation 1986000 (VCV001986000.7), dbSNP rs1882398575, ClinGen allele CA385509501.

ClinVar aggregate classification (germline): Uncertain significance. Review status: criteria provided, multiple submitters, no conflicts (2 of 4 stars). 2 submissions from 2 submitters: Uncertain significance (2). Last evaluated 2025-07-02.

Conditions:
Spastic paraplegia. Identifiers: MedGen C0037772, HP:0001258.

Allele frequency attached by ClinVar (database versions not stated): gnomAD exomes 0.00001.
gnomAD v4.1: 9 of 1,614,112 alleles (0.00056%); highest among the groups gnomAD compares: Non-Finnish European, 0.00068%; no homozygotes.

Submissions (2):

Labcorp Genetics (formerly Invitae), Labcorp
Classification: Uncertain significance for Spastic paraplegia. Last evaluated: 2025-07-02. Review status: criteria provided, single submitter. Criteria: Invitae Variant Classification Sherloc (09022015). Collection method: clinical testing. Allele origin: germline.
Comment: This sequence change replaces arginine, which is basic and polar, with cysteine, which is neutral and slightly polar, at codon 641 of the KIF5A protein (p.Arg641Cys). This variant is not present in population databases (gnomAD no frequency). This variant has not been reported in the literature in individuals affected with KIF5A-related conditions. ClinVar contains an entry for this variant (Variation ID: 1986000). Invitae Evidence Modeling of protein sequence and biophysical properties (such as structural, functional, and spatial information, amino acid conservation, physicochemical variation, residue mobility, and thermodynamic stability) indicates that this missense variant is not expected to disrupt KIF5A protein function with a negative predictive value of 95%. In summary, the available evidence is currently insufficient to determine the role of this variant in disease. Therefore, it has been classified as a Variant of Uncertain Significance.

Revvity Omics, Revvity
Classification: Uncertain significance. Last evaluated: 2020-01-02. Review status: criteria provided, single submitter. Criteria: ACMG Guidelines, 2015. Collection method: clinical testing. Allele origin: germline.